The following is an entry in ClinVar:

ClinVar aggregate classification (germline): Uncertain significance (1 of 4 stars; one submission).

Allele frequency attached by ClinVar (database versions not stated): gnomAD exomes below 0.00001; ExAC 0.00001.
gnomAD v4.1: 1 of 1,613,954 alleles (0.000062%); highest among the groups gnomAD compares: African/African-American, 0.0013%; no homozygotes.

Submission:

Labcorp Genetics (formerly Invitae), Labcorp
Classification: Uncertain significance. Last evaluated: 2022-07-22. Review status: criteria provided, single submitter. Criteria: Invitae Variant Classification Sherloc (09022015). Collection method: clinical testing. Allele origin: germline.
Comment: In summary, the available evidence is currently insufficient to determine the role of this variant in disease. Therefore, it has been classified as a Variant of Uncertain Significance. Algorithms developed to predict the effect of missense changes on protein structure and function are either unavailable or do not agree on the potential impact of this missense change (SIFT: "Deleterious"; PolyPhen-2: "Probably Damaging"; Align-GVGD: "Class C0"). ClinVar contains an entry for this variant (Variation ID: 1034661). This variant has not been reported in the literature in individuals affected with ADGRA3-related conditions. The frequency data for this variant in the population databases is considered unreliable, as metrics indicate poor data quality at this position in the gnomAD database. This sequence change replaces glycine, which is neutral and non-polar, with serine, which is neutral and polar, at codon 901 of the ADGRA3 protein (p.Gly901Ser).

NM_145290.4(ADGRA3):c.2701G>A (p.Gly901Ser)

Gene: ADGRA3 (adhesion G protein-coupled receptor A3; minus strand). Cytogenetic location: 4p15.2.
Variant type: single nucleotide variant.
Coding change: c.2701G>A on transcript NM_145290.4 (MANE Select); coding-DNA position 2701, G replaced by A.
Protein change: p.Gly901Ser; replaces glycine 901 with serine.
Molecular consequence: missense variant.
Genome position (GRCh38, 1-based): chr4:22,389,110, C>T on the plus strand (G>A on the coding strand, the complement: ADGRA3 is on the minus strand). VCF-style: chr4-22389110-C-T. GRCh37 (hg19) VCF-style: chr4-22390733-C-T.
Other names: short protein forms G901S.
Identifiers: ClinVar variation 1034661 (VCV001034661.10), dbSNP rs746416100, ClinGen allele CA2873552.
Genomic context (GRCh38, chr4:22,389,110, plus strand): 5'-CAACTGGGTCAAGTACACAGAGAATATAAAATACTCACTAGGGTGCGTTTGGCCGACTGC[C>T]GTAATTCTTAATGTTCGCTGCTGCAGTTATGCCGCAAACAATGATGGGGATACCACCACC-3'
Protein context (NP_660333.2, residues 891-911): ITAAANIKNY[Gly901Ser]SRPNAPYCWM